The following is an entry in ClinVar:

ClinVar aggregate classification (germline): Uncertain significance (1 of 4 stars; one submission).

Conditions:
Inborn genetic diseases. Identifiers: MedGen C0950123, MeSH D030342.

Submission:

Ambry Genetics
Classification: Uncertain significance for Inborn genetic diseases. Last evaluated: 2026-07-18. Review status: criteria provided, single submitter. Criteria: Ambry Variant Classification Scheme 2023. Collection method: clinical testing. Allele origin: germline.
Comment: The p.W455S variant (also known as c.1364G>C), located in coding exon 12 of the KDM1A gene, results from a G to C substitution at nucleotide position 1364. The tryptophan at codon 455 is replaced by serine, an amino acid with highly dissimilar properties. This amino acid position is conserved. In addition, this alteration is predicted to be deleterious by in silico analysis. Based on the available evidence, the clinical significance of this variant remains unclear.

NM_001009999.3(KDM1A):c.1364G>C (p.Trp455Ser)

Gene: KDM1A (lysine demethylase 1A; plus strand). Cytogenetic location: 1p36.12.
Variant type: single nucleotide variant.
Coding change: c.1364G>C on transcript NM_001009999.3 (MANE Select); coding-DNA position 1364, G replaced by C.
Protein change: p.Trp455Ser; replaces tryptophan 455 with serine.
Molecular consequence: missense variant.
Genome position (GRCh38, 1-based): chr1:23,069,102, G>C. VCF-style: chr1-23069102-G-C. GRCh37 (hg19) VCF-style: chr1-23395595-G-C.
Other names: c.1292G>C, p.Trp431Ser (NM_001363654.2, NM_001410763.1, NM_015013.4); c.1352G>C, p.Trp451Ser (NM_001410762.1); short protein forms W451S, W431S, W455S.
Identifiers: ClinVar variation 5023075 (VCV005023075.1).